The following is an entry in ClinVar:

NM_003579.4(RAD54L):c.170A>G (p.Gln57Arg)

Gene: RAD54L (RAD54 like; plus strand). Cytogenetic location: 1p34.1.
Variant type: single nucleotide variant.
Coding change: c.170A>G on transcript NM_003579.4 (MANE Select); coding-DNA position 170, A replaced by G.
Protein change: p.Gln57Arg; replaces glutamine 57 with arginine.
Molecular consequence: missense variant. On other transcripts: 5 prime UTR variant (1).
Genome position (GRCh38, 1-based): chr1:46,250,079, A>G. VCF-style: chr1-46250079-A-G. GRCh37 (hg19) VCF-style: chr1-46715751-A-G.
Other names: c.170A>G, p.Gln57Arg (NM_001142548.2); c.-371A>G (NM_001370766.1); short protein forms Q57R.
Identifiers: ClinVar variation 1778514 (VCV001778514.3), dbSNP rs1289902575, ClinGen allele CA340176221.
Genomic context (GRCh38, chr1:46,250,079, plus strand): 5'-CCAGCAGTGAGACCCAGATCCAGGAGTGTTTCCTGTCTCCTTTTCGGAAACCTTTGAGTC[A>G]GCTAACCAATCAACCACCTTGTCTGGACAGCAGTCAGCATGTAAGCCAGAACTGCAACCT-3'
Protein context (NP_003570.2, residues 47-67): FLSPFRKPLS[Gln57Arg]LTNQPPCLDS

ClinVar aggregate classification (germline): Uncertain significance (1 of 4 stars; one submission).

Allele frequency attached by ClinVar (database versions not stated): gnomAD exomes below 0.00001.

Submission:

Ambry Genetics
Classification: Uncertain significance. Last evaluated: 2024-10-12. Review status: criteria provided, single submitter. Criteria: Ambry Variant Classification Scheme 2023. Collection method: clinical testing. Allele origin: germline.
Comment: The p.Q57R variant (also known as c.170A>G), located in coding exon 3 of the RAD54L gene, results from an A to G substitution at nucleotide position 170. The glutamine at codon 57 is replaced by arginine, an amino acid with highly similar properties. This amino acid position is conserved. In addition, the in silico prediction for this alteration is inconclusive. Since supporting evidence is limited at this time, the clinical significance of this alteration remains unclear.